The following is an entry in ClinVar:

NM_000038.6(APC):c.8441del (p.Lys2814fs)

Gene: APC (APC regulator of Wnt signaling pathway; plus strand). Cytogenetic location: 5q22.2.
Variant type: Deletion.
Coding change: c.8441del on transcript NM_000038.6 (MANE Select); coding-DNA position 8441, one base deleted (A; older notation c.8441delA).
Protein change: p.Lys2814fs; shifts the reading frame from lysine 2814.
Molecular consequence: frameshift variant. On other transcripts: non-coding transcript variant (2).
Genome position (GRCh38, 1-based): chr5:112,844,035, A deleted; the last of 3 consecutive A bases (chr5:112,844,033-112,844,035); deleting any one gives the same sequence. VCF-style (leftmost placement, unchanged base first): chr5-112844032-CA-C. GRCh37 (hg19) VCF-style: chr5-112179729-CA-C.
Other names: c.8495del, p.Lys2832fs (NM_001407447.1, NM_001407448.1, NM_001407449.1 and 1 more transcripts); c.8441del, p.Lys2814fs (NM_001407450.1, NM_001127510.3, NM_001354895.2); c.8420del, p.Lys2807fs (NM_001407451.1); c.8054del, p.Lys2685fs (NM_001407469.1, NM_001407467.1); c.7289del, p.Lys2430fs (NM_001407471.1, NM_001407472.1); c.7592del, p.Lys2531fs (NM_001407470.1, NM_001354906.2); c.8387del, p.Lys2796fs (NM_001127511.3); c.8471del, p.Lys2824fs (NM_001354897.2); and 11 more; short protein forms K2531fs, K2654fs, K2713fs, K2731fs, K2789fs, K2814fs, K2832fs, K2430fs.
Identifiers: ClinVar variation 3304037 (VCV003304037.1).

ClinVar aggregate classification (germline): Uncertain significance (1 of 4 stars; one submission).

Conditions:
Hereditary cancer-predisposing syndrome. Also called: Tumor predisposition; Hereditary Cancer Syndrome; Hereditary neoplastic syndrome; Neoplastic Syndromes, Hereditary. Identifiers: Orphanet 140162, MedGen C0027672, MeSH D009386, MONDO:0015356.

Submission:

Ambry Genetics
Classification: Uncertain significance for Hereditary cancer-predisposing syndrome. Last evaluated: 2024-03-20. Review status: criteria provided, single submitter. Criteria: Ambry Variant Classification Scheme 2023. Collection method: clinical testing. Allele origin: germline.
Comment: The c.8441delA variant, located in coding exon 15 of the APC gene, results from a deletion of one nucleotide at nucleotide position 8441, causing a translational frameshift with a predicted alternate stop codon (p.K2814Rfs*27). This alteration occurs at the 3' terminus of theAPC gene, is not expected to trigger nonsense-mediated mRNAdecay, and only impacts the last 1% of the protein. The exact functional effect of this alteration is unknown. Based on the available evidence, the clinical significance of this alteration remains unclear.